The following is an entry in ClinVar:

ClinVar aggregate classification (germline): Uncertain significance (1 of 4 stars; one submission).

Conditions:
Niemann-Pick disease, type C1. Also called: NIEMANN-PICK DISEASE, VARIANT TYPE C1; NEUROVISCERAL STORAGE DISEASE WITH VERTICAL SUPRANUCLEAR OPHTHALMOPLEGIA; NIEMANN-PICK DISEASE WITH CHOLESTEROL ESTERIFICATION BLOCK; NIEMANN-PICK DISEASE WITHOUT SPHINGOMYELINASE DEFICIENCY; NIEMANN-PICK DISEASE, CHRONIC NEURONOPATHIC FORM. Identifiers: Orphanet 646, MedGen C3179455, MONDO:0009757, OMIM 257220.

Allele frequency attached by ClinVar (database versions not stated): gnomAD exomes 0.00001.
gnomAD v4.1: 32 of 1,614,206 alleles (0.002%); highest among the groups gnomAD compares: Non-Finnish European, 0.0026%; no homozygotes.

Submission:

Labcorp Genetics (formerly Invitae), Labcorp
Classification: Uncertain significance for Niemann-Pick disease, type C1. Last evaluated: 2021-08-14. Review status: criteria provided, single submitter. Criteria: Invitae Variant Classification Sherloc (09022015). Collection method: clinical testing. Allele origin: germline.
Comment: This sequence change replaces isoleucine with valine at codon 879 of the NPC1 protein (p.Ile879Val). The isoleucine residue is weakly conserved and there is a small physicochemical difference between isoleucine and valine. This variant is not present in population databases (ExAC no frequency). This variant has not been reported in the literature in individuals affected with NPC1-related conditions. Advanced modeling of protein sequence and biophysical properties (such as structural, functional, and spatial information, amino acid conservation, physicochemical variation, residue mobility, and thermodynamic stability) performed at Invitae indicates that this missense variant is not expected to disrupt NPC1 protein function. Algorithms developed to predict the effect of sequence changes on RNA splicing suggest that this variant may create or strengthen a splice site. In summary, the available evidence is currently insufficient to determine the role of this variant in disease. Therefore, it has been classified as a Variant of Uncertain Significance.

NM_000271.5(NPC1):c.2635A>G (p.Ile879Val)

Gene: NPC1 (NPC intracellular cholesterol transporter 1; minus strand). Cytogenetic location: 18q11.2.
Variant type: single nucleotide variant.
Coding change: c.2635A>G on transcript NM_000271.5 (MANE Select); coding-DNA position 2635, A replaced by G.
Protein change: p.Ile879Val; replaces isoleucine 879 with valine.
Molecular consequence: missense variant.
Genome position (GRCh38, 1-based): chr18:23,539,971, T>C on the plus strand (A>G on the coding strand, the complement: NPC1 is on the minus strand). VCF-style: chr18-23539971-T-C. GRCh37 (hg19) VCF-style: chr18-21119935-T-C.
Other names: short protein forms I879V.
Identifiers: ClinVar variation 1432442 (VCV001432442.5), dbSNP rs904277386, ClinGen allele CA297081493.